The following is an entry in ClinVar:

Conditions:
Long QT syndrome 5 (LQT5). Identifiers: Orphanet 101016, Orphanet 768, MedGen C1867904, MONDO:0013372, OMIM 613695.

Submission:

Roden Lab, Vanderbilt University Medical Center
No classification provided (evidence only). Condition: Long QT syndrome 5. Review status: no classification provided. Collection method: in vitro. Allele origin: not applicable. Functional consequence: Effect on ion channel function.
ClinVar note: "not provided" was previously submitted as the classification for the variant. However, the classification appeared to be based only on an observation of functional data so it was converted to no classification on 2025-07-30.

NM_000219.6(KCNE1):c.197T>A (p.Ile66Asn)

Gene: KCNE1 (potassium voltage-gated channel subfamily E regulatory subunit 1; minus strand). Cytogenetic location: 21q22.12.
Variant type: single nucleotide variant.
Coding change: c.197T>A on transcript NM_000219.6 (MANE Select); coding-DNA position 197, T replaced by A.
Protein change: p.Ile66Asn; replaces isoleucine 66 with asparagine.
Molecular consequence: missense variant.
Genome position (GRCh38, 1-based): chr21:34,449,438, A>T on the plus strand (T>A on the coding strand, the complement: KCNE1 is on the minus strand). VCF-style: chr21-34449438-A-T. GRCh37 (hg19) VCF-style: chr21-35821736-A-T.
Other names: c.197T>A, p.Ile66Asn (NM_001127668.4, NM_001127669.4, NM_001127670.4 and 4 more transcripts); short protein forms I66N.
Identifiers: ClinVar variation 3374305 (VCV003374305.2).